The following is an entry in ClinVar:

ClinVar aggregate classification (germline): Uncertain significance (1 of 4 stars; one submission).

Submission:

Labcorp Genetics (formerly Invitae), Labcorp
Classification: Uncertain significance. Last evaluated: 2025-12-09. Review status: criteria provided, single submitter. Criteria: Invitae Variant Classification Sherloc (09022015). Collection method: clinical testing. Allele origin: germline.
Comment: This sequence change replaces serine, which is neutral and polar, with isoleucine, which is neutral and non-polar, at codon 839 of the RASA2 protein (p.Ser839Ile). This variant is not present in population databases (gnomAD no frequency). This variant has not been reported in the literature in individuals affected with RASA2-related conditions. An algorithm developed to predict the effect of missense changes on protein structure and function (PolyPhen-2) suggests that this variant is likely to be disruptive. In summary, the available evidence is currently insufficient to determine the role of this variant in disease. Therefore, it has been classified as a Variant of Uncertain Significance.

NM_006506.5(RASA2):c.2516G>T (p.Ser839Ile)

Gene: RASA2 (RAS p21 protein activator 2; plus strand). Cytogenetic location: 3q23.
Variant type: single nucleotide variant.
Coding change: c.2516G>T on transcript NM_006506.5 (MANE Select); coding-DNA position 2516, G replaced by T.
Protein change: p.Ser839Ile; replaces serine 839 with isoleucine.
Molecular consequence: missense variant.
Genome position (GRCh38, 1-based): chr3:141,610,063, G>T. VCF-style: chr3-141610063-G-T. GRCh37 (hg19) VCF-style: chr3-141328905-G-T.
Other names: c.2519G>T, p.Ser840Ile (NM_001303245.3); c.2528G>T, p.Ser843Ile (NM_001303246.3); short protein forms S839I, S840I, S843I.
Identifiers: ClinVar variation 4799112 (VCV004799112.1).